The following is an entry in ClinVar:

ClinVar aggregate classification (germline): Likely pathogenic (1 of 4 stars; one submission).

Conditions:
Dilated cardiomyopathy 1G (CMD1G). Identifiers: Orphanet 154, MedGen C1858763, MONDO:0011400, OMIM 604145.
Autosomal recessive limb-girdle muscular dystrophy type 2J (LGMDR10). Also called: Limb-girdle muscular dystrophy, type 2J; MUSCULAR DYSTROPHY, LIMB-GIRDLE, AUTOSOMAL RECESSIVE 10. Identifiers: Orphanet 140922, MedGen C1837342, MONDO:0012127, OMIM 608807.

Submission:

Labcorp Genetics (formerly Invitae), Labcorp
Classification: Likely pathogenic for Dilated cardiomyopathy 1G; Autosomal recessive limb-girdle muscular dystrophy type 2J. Last evaluated: 2023-02-22. Review status: criteria provided, single submitter. Criteria: Invitae Variant Classification Sherloc (09022015). Collection method: clinical testing. Allele origin: germline.
Comment: This sequence change creates a premature translational stop signal (p.Cys33122*) in the TTN gene. While this is not anticipated to result in nonsense mediated decay, it is expected to create a truncated TTN protein. In summary, the currently available evidence indicates that the variant is pathogenic, but additional data are needed to prove that conclusively. Therefore, this variant has been classified as Likely Pathogenic. This variant is located in the A band of TTN (PMID: 25589632). Truncating variants in this region are significantly overrepresented in patients affected with dilated cardiomyopathy (PMID: 25589632). Truncating variants in this region have also been reported in individuals affected with autosomal recessive centronuclear myopathy (PMID: 23975875). This variant has not been reported in the literature in individuals affected with TTN-related conditions. This variant is not present in population databases (gnomAD no frequency).

Literature cited by the submitters: PubMed 25589632; PubMed 23975875.

NM_001267550.2(TTN):c.99366C>A (p.Cys33122Ter)

Genes: TTN-AS1 (TTN antisense RNA 1; plus strand), TTN (titin; minus strand). Cytogenetic location: 2q31.2.
Variant type: single nucleotide variant.
Coding change: c.99366C>A on transcript NM_001267550.2 (MANE Select); coding-DNA position 99366, C replaced by A.
Protein change: p.Cys33122Ter; replaces cysteine 33122 with a stop codon.
Molecular consequence: nonsense.
Genome position (GRCh38, 1-based): chr2:178,537,841, G>T on the plus strand (C>A on the coding strand, the complement: TTN is on the minus strand). VCF-style: chr2-178537841-G-T. GRCh37 (hg19) VCF-style: chr2-179402568-G-T.
Other names: c.94443C>A, p.Cys31481Ter (NM_001256850.1); c.72171C>A, p.Cys24057Ter (NM_003319.4); c.91662C>A, p.Cys30554Ter (NM_133378.4); c.72546C>A, p.Cys24182Ter (NM_133432.3); c.72747C>A, p.Cys24249Ter (NM_133437.4); short protein forms C24057*, C24182*, C30554*, C33122*, C24249*, C31481*.
Identifiers: ClinVar variation 2944600 (VCV002944600.3), dbSNP rs762528879, ClinGen allele CA349428728.